The following is an entry in ClinVar:

NM_001394062.1(MACF1):c.13118G>A (p.Ser4373Asn)

Gene: MACF1 (microtubule actin crosslinking factor 1; plus strand). Cytogenetic location: 1p34.3.
Variant type: single nucleotide variant.
Coding change: c.13118G>A on transcript NM_001394062.1 (MANE Select); coding-DNA position 13118, G replaced by A.
Protein change: p.Ser4373Asn; replaces serine 4373 with asparagine.
Molecular consequence: missense variant.
Genome position (GRCh38, 1-based): chr1:39,372,501, G>A. VCF-style: chr1-39372501-G-A. GRCh37 (hg19) VCF-style: chr1-39838173-G-A.
Other names: c.6932G>A, p.Ser2311Asn (NM_012090.5); short protein forms S2311N, S4373N.
Identifiers: ClinVar variation 3661209 (VCV003661209.2).
Genomic context (GRCh38, chr1:39,372,501, plus strand): 5'-CCCAGATACTACATTTGGCCATTTTCTTCTTTAAACAGAGTCTACTAGATGACTGGGCAA[G>A]TAAGGGAACTCTGGTGGAAGAAATCAATTGCAAAGGTACTTCTTTAGAAAATCTCATCAT-3'
Protein context (NP_001380991.1, residues 4363-4383): HLKSLLDDWA[Ser4373Asn]KGTLVEEINC

ClinVar aggregate classification (germline): Uncertain significance (1 of 4 stars; one submission).

Submission:

Labcorp Genetics (formerly Invitae), Labcorp
Classification: Uncertain significance. Last evaluated: 2024-08-02. Review status: criteria provided, single submitter. Criteria: Invitae Variant Classification Sherloc (09022015). Collection method: clinical testing. Allele origin: germline.
Comment: This sequence change replaces serine, which is neutral and polar, with asparagine, which is neutral and polar, at codon 2311 of the MACF1 protein (p.Ser2311Asn). This variant is not present in population databases (gnomAD no frequency). This variant has not been reported in the literature in individuals affected with MACF1-related conditions. An algorithm developed to predict the effect of missense changes on protein structure and function (PolyPhen-2) suggests that this variant is likely to be tolerated. In summary, the available evidence is currently insufficient to determine the role of this variant in disease. Therefore, it has been classified as a Variant of Uncertain Significance.